The following is an entry in ClinVar:

ClinVar aggregate classification (germline): Uncertain significance (1 of 4 stars; one submission).

Submission:

Labcorp Genetics (formerly Invitae), Labcorp
Classification: Uncertain significance. Last evaluated: 2022-01-02. Review status: criteria provided, single submitter. Criteria: Invitae Variant Classification Sherloc (09022015). Collection method: clinical testing. Allele origin: germline.
Comment: In summary, the available evidence is currently insufficient to determine the role of this variant in disease. Therefore, it has been classified as a Variant of Uncertain Significance. Experimental studies and prediction algorithms are not available or were not evaluated, and the functional significance of this variant is currently unknown. This variant has not been reported in the literature in individuals affected with DCHS1-related conditions. Information on the frequency of this variant in the gnomAD database is not available, as this variant may be reported differently in the database. This sequence change replaces alanine, which is neutral and non-polar, with proline, which is neutral and non-polar, at codon 2538 of the DCHS1 protein (p.Ala2538Pro).

NM_003737.4(DCHS1):c.7611_7612delinsTC (p.Ala2538Pro)

Gene: DCHS1 (dachsous cadherin-related 1; minus strand). Cytogenetic location: 11p15.4.
Variant type: Indel.
Coding change: c.7611_7612delinsTC on transcript NM_003737.4 (MANE Select); coding-DNA positions 7611 to 7612, GG replaced by TC.
Protein change: p.Ala2538Pro; replaces alanine 2538 with proline.
Molecular consequence: missense variant.
Genome position (GRCh38, 1-based): chr11:6,624,064-6,624,065, CC replaced by GA on the plus strand (GG replaced by TC on the coding strand, the reverse complement: DCHS1 is on the minus strand). VCF-style: chr11-6624064-CC-GA. GRCh37 (hg19) VCF-style: chr11-6645295-CC-GA.
Other names: short protein forms A2538P.
Identifiers: ClinVar variation 1377775 (VCV001377775.6), dbSNP rs2134612030, ClinGen allele CA2573147079.